The following is an entry in ClinVar:

ClinVar aggregate classification (germline): Likely pathogenic (1 of 4 stars; one submission).

Conditions:
Leber congenital amaurosis (LCA). Also called: Leber's amaurosis. Identifiers: Orphanet 65, MedGen C0339527, MeSH D057130, MONDO:0018998.

Submission:

Natera, Inc.
Classification: Likely pathogenic for Leber congenital amaurosis. Last evaluated: 2024-06-17. Review status: criteria provided, single submitter. Criteria: Natera Variant Classification Schema (03/2026). Collection method: clinical testing. Allele origin: germline.
Comment: The c.12-1G>A variant in RPE65 is a canonical splice acceptor site variant predicted to affect pre-mRNA splicing, which may result in an abnormal transcript and altered protein product. This variant is expected to result in nonsense mediated decay, truncation, or a dysfunctional protein product. This variant is rare in the general population with a frequency below the threshold expected for the associated phenotype(s). Given the available evidence, this variant is classified as Likely Pathogenic.

NM_000329.3(RPE65):c.12-1G>A

Gene: RPE65 (retinoid isomerohydrolase RPE65; minus strand). Cytogenetic location: 1p31.3.
Variant type: single nucleotide variant.
Coding change: c.12-1G>A on transcript NM_000329.3 (MANE Select); the canonical splice acceptor site of the intron before coding-DNA position 12, G replaced by A.
Molecular consequence: splice acceptor variant. On other transcripts: intron variant (1).
Genome position (GRCh38, 1-based): chr1:68,448,707, C>T on the plus strand (G>A on the coding strand, the complement: RPE65 is on the minus strand). VCF-style: chr1-68448707-C-T. GRCh37 (hg19) VCF-style: chr1-68914390-C-T.
Other names: c.-183+1188G>A (NM_001406857.1); c.-114-1G>A (NM_001406856.1); c.12-1G>A (NM_001406853.1, NM_001406859.1, NM_001406860.1).
Identifiers: ClinVar variation 4818168 (VCV004818168.1).